The following is an entry in ClinVar:

NM_001015880.2(PAPSS2):c.1722-9del

Gene: PAPSS2 (3'-phosphoadenosine 5'-phosphosulfate synthase 2; plus strand). Cytogenetic location: 10q23.31.
Variant type: Deletion.
Coding change: c.1722-9del on transcript NM_001015880.2 (MANE Select); 9 bases into the intron before coding-DNA position 1722, one base deleted (C; older notation c.1722-9delC).
Molecular consequence: intron variant.
Genome position (GRCh38, 1-based): chr10:87,745,823, C deleted; the last of 3 consecutive C bases (chr10:87,745,821-87,745,823); deleting any one gives the same sequence. VCF-style (leftmost placement, unchanged base first): chr10-87745820-AC-A. GRCh37 (hg19) VCF-style: chr10-89505577-AC-A.
Other names: c.1707-9del (NM_004670.4).
Identifiers: ClinVar variation 1384101 (VCV001384101.3), dbSNP rs759667926, ClinGen allele CA5589834.

ClinVar aggregate classification (germline): Uncertain significance (1 of 4 stars; one submission).

Conditions:
Spondyloepimetaphyseal dysplasia, PAPSS2 type. Also called: BRACHYOLMIA TYPE 4 WITH MILD EPIPHYSEAL AND METAPHYSEAL CHANGES; SPONDYLODYSPLASIA AND PREMATURE PUBARCHE; SEMD, PAKISTANI TYPE. Identifiers: Orphanet 93282, MedGen C2748516, MONDO:0019666, OMIM 612847.

Submission:

Labcorp Genetics (formerly Invitae), Labcorp
Classification: Uncertain significance for Spondyloepimetaphyseal dysplasia, PAPSS2 type. Last evaluated: 2021-09-10. Review status: criteria provided, single submitter. Criteria: Invitae Variant Classification Sherloc (09022015). Collection method: clinical testing. Allele origin: germline.
Comment: This sequence change falls in intron 12 of the PAPSS2 gene. It does not directly change the encoded amino acid sequence of the PAPSS2 protein. This variant is present in population databases (rs759667926, ExAC 0.004%). This variant has not been reported in the literature in individuals affected with PAPSS2-related conditions. Algorithms developed to predict the effect of sequence changes on RNA splicing suggest that this variant may disrupt the consensus splice site. In summary, the available evidence is currently insufficient to determine the role of this variant in disease. Therefore, it has been classified as a Variant of Uncertain Significance.